The following is an entry in ClinVar:

ClinVar aggregate classification (germline): Uncertain significance (1 of 4 stars; one submission).

Conditions:
Joubert syndrome. Also called: Familial aplasia of the vermis; CEREBELLOPARENCHYMAL DISORDER IV; JOUBERT-BOLTSHAUSER SYNDROME. Identifiers: Orphanet 475, MedGen C5979921, MONDO:0018772.

Submission:

Labcorp Genetics (formerly Invitae), Labcorp
Classification: Uncertain significance for Joubert syndrome. Last evaluated: 2023-08-10. Review status: criteria provided, single submitter. Criteria: Invitae Variant Classification Sherloc (09022015). Collection method: clinical testing. Allele origin: germline.
Comment: ClinVar contains an entry for this variant (Variation ID: 1011245). This sequence change replaces arginine, which is basic and polar, with isoleucine, which is neutral and non-polar, at codon 174 of the INPP5E protein (p.Arg174Ile). This variant is not present in population databases (gnomAD no frequency). This variant has not been reported in the literature in individuals affected with INPP5E-related conditions. Advanced modeling of protein sequence and biophysical properties (such as structural, functional, and spatial information, amino acid conservation, physicochemical variation, residue mobility, and thermodynamic stability) has been performed at Invitae for this missense variant, however the output from this modeling did not meet the statistical confidence thresholds required to predict the impact of this variant on INPP5E protein function. In summary, the available evidence is currently insufficient to determine the role of this variant in disease. Therefore, it has been classified as a Variant of Uncertain Significance.

NM_019892.6(INPP5E):c.521G>T (p.Arg174Ile)

Gene: INPP5E (inositol polyphosphate-5-phosphatase E; minus strand). Cytogenetic location: 9q34.3.
Variant type: single nucleotide variant.
Coding change: c.521G>T on transcript NM_019892.6 (MANE Select); coding-DNA position 521, G replaced by T.
Protein change: p.Arg174Ile; replaces arginine 174 with isoleucine.
Molecular consequence: missense variant.
Genome position (GRCh38, 1-based): chr9:136,438,899, C>A on the plus strand (G>T on the coding strand, the complement: INPP5E is on the minus strand). VCF-style: chr9-136438899-C-A. GRCh37 (hg19) VCF-style: chr9-139333351-C-A.
Other names: c.521G>T, p.Arg174Ile (NM_001318502.2); short protein forms R174I.
Identifiers: ClinVar variation 1011245 (VCV001011245.5), dbSNP rs1835910612, ClinGen allele CA375568513.